The following is an entry in ClinVar:

NM_004304.5(ALK):c.4531T>A (p.Phe1511Ile)

Gene: ALK (ALK receptor tyrosine kinase; minus strand). Cytogenetic location: 2p23.2.
Variant type: single nucleotide variant.
Coding change: c.4531T>A on transcript NM_004304.5 (MANE Select); coding-DNA position 4531, T replaced by A.
Protein change: p.Phe1511Ile; replaces phenylalanine 1511 with isoleucine.
Molecular consequence: missense variant.
Genome position (GRCh38, 1-based): chr2:29,193,556, A>T on the plus strand (T>A on the coding strand, the complement: ALK is on the minus strand). VCF-style: chr2-29193556-A-T. GRCh37 (hg19) VCF-style: chr2-29416422-A-T.
Other names: c.4531T>A (NM_004304.4); c.1327T>A, p.Phe443Ile (NM_001353765.2); short protein forms F1511I, F443I.
Identifiers: ClinVar variation 1059412 (VCV001059412.10), dbSNP rs1573078272, ClinGen allele CA346460969.

ClinVar aggregate classification (germline): Uncertain significance. Review status: criteria provided, multiple submitters, no conflicts (2 of 4 stars). 2 submissions from 2 submitters: Uncertain significance (2). Last evaluated 2024-12-08.

Conditions:
Hereditary cancer-predisposing syndrome. Also called: Tumor predisposition; Neoplastic Syndromes, Hereditary; Hereditary Cancer Syndrome; Hereditary neoplastic syndrome. Identifiers: Orphanet 140162, MedGen C0027672, MeSH D009386, MONDO:0015356.
Neuroblastoma, susceptibility to, 3. Also called: ALK-Related Neuroblastic Tumor Susceptibility. Identifiers: Orphanet 635, MedGen C2751681, MONDO:0013083, OMIM 613014.

Submissions (2):

Ambry Genetics
Classification: Uncertain significance for Hereditary cancer-predisposing syndrome. Last evaluated: 2024-12-08. Review status: criteria provided, single submitter. Criteria: Ambry Variant Classification Scheme 2023. Collection method: clinical testing. Allele origin: germline.
Comment: The p.F1511I variant (also known as c.4531T>A), located in coding exon 29 of the ALK gene, results from a T to A substitution at nucleotide position 4531. The phenylalanine at codon 1511 is replaced by isoleucine, an amino acid with highly similar properties. This amino acid position is conserved. In addition, this alteration is predicted to be tolerated by in silico analysis. Based on the available evidence, the clinical significance of this variant remains unclear.

Labcorp Genetics (formerly Invitae), Labcorp
Classification: Uncertain significance for Neuroblastoma, susceptibility to, 3. Last evaluated: 2020-10-21. Review status: criteria provided, single submitter. Criteria: Invitae Variant Classification Sherloc (09022015). Collection method: clinical testing. Allele origin: germline.
Comment: In summary, the available evidence is currently insufficient to determine the role of this variant in disease. Therefore, it has been classified as a Variant of Uncertain Significance. Algorithms developed to predict the effect of missense changes on protein structure and function are either unavailable or do not agree on the potential impact of this missense change (SIFT: "Deleterious"; PolyPhen-2: "Benign"; Align-GVGD: "Class C0"). This variant has not been reported in the literature in individuals with ALK-related conditions. This variant is not present in population databases (ExAC no frequency). This sequence change replaces phenylalanine with isoleucine at codon 1511 of the ALK protein (p.Phe1511Ile). The phenylalanine residue is highly conserved and there is a small physicochemical difference between phenylalanine and isoleucine.